The following is an entry in ClinVar:

ClinVar aggregate classification (germline): Likely benign. Review status: reviewed by expert panel (3 of 4 stars). 2 submissions from 2 submitters: Likely benign (1). 1 of the submissions does not count toward it. Last evaluated 2017-06-29.

Conditions:
Hereditary cancer-predisposing syndrome. Also called: Hereditary Cancer Syndrome; Neoplastic Syndromes, Hereditary; Tumor predisposition; Hereditary neoplastic syndrome. Identifiers: Orphanet 140162, MedGen C0027672, MeSH D009386, MONDO:0015356.
Breast-ovarian cancer, familial, susceptibility to, 2 (BROVCA2). Also called: BRCA2 Hereditary Breast and Ovarian Cancer. Identifiers: Orphanet 145, MedGen C2675520, MONDO:0012933, OMIM 612555. Disease mechanism: loss of function.

Allele frequency attached by ClinVar (database versions not stated): gnomAD exomes 0.00001 and 0.00002; ExAC 0.00002; gnomAD 0.00002.
gnomAD v4.1: 15 of 1,613,186 alleles (0.00093%); highest among the groups gnomAD compares: Non-Finnish European, 0.000085%; no homozygotes.

Submissions (2):

Evidence-based Network for the Interpretation of Germline Mutant Alleles (ENIGMA)
Classification: Likely benign for Breast-ovarian cancer, familial, susceptibility to, 2. Last evaluated: 2017-06-29. Review status: reviewed by expert panel. Criteria: ENIGMA BRCA1/2 Classification Criteria (2017-06-29). Collection method: curation. Allele origin: germline.
Comment: Synonymous substitution variant, with low bioinformatic likelihood to result in a splicing aberration (Splicing prior probability 0.02).

Ambry Genetics
Classification: Likely benign for Hereditary cancer-predisposing syndrome. Last evaluated: 2014-10-20. Review status: criteria provided, single submitter. Criteria: Ambry Variant Classification Scheme 2023. Collection method: clinical testing. Allele origin: germline. Not counted in ClinVar's aggregate classification.

NM_000059.4(BRCA2):c.2043A>G (p.Val681=)

Gene: BRCA2 (BRCA2 DNA repair associated; plus strand). Cytogenetic location: 13q13.1.
Variant type: single nucleotide variant.
Coding change: c.2043A>G on transcript NM_000059.4 (MANE Select); coding-DNA position 2043, A replaced by G.
Protein change: p.Val681=; no amino-acid change (valine 681 retained).
Molecular consequence: synonymous variant.
Genome position (GRCh38, 1-based): chr13:32,336,398, A>G. VCF-style: chr13-32336398-A-G. GRCh37 (hg19) VCF-style: chr13-32910535-A-G.
Identifiers: ClinVar variation 186684 (VCV000186684.7), dbSNP rs747363339, ClinGen allele CA014197.